The following is an entry in ClinVar:

NM_001849.4(COL6A2):c.1735G>C (p.Gly579Arg)

Gene: COL6A2 (collagen type VI alpha 2 chain; plus strand). Cytogenetic location: 21q22.3.
Variant type: single nucleotide variant.
Coding change: c.1735G>C on transcript NM_001849.4 (MANE Select); coding-DNA position 1735, G replaced by C.
Protein change: p.Gly579Arg; replaces glycine 579 with arginine.
Molecular consequence: missense variant.
Genome position (GRCh38, 1-based): chr21:46,124,885, G>C. VCF-style: chr21-46124885-G-C. GRCh37 (hg19) VCF-style: chr21-47544799-G-C.
Other names: c.1735G>C, p.Gly579Arg (NM_058174.3, NM_058175.3); short protein forms G579R.
Identifiers: ClinVar variation 3625439 (VCV003625439.2).

ClinVar aggregate classification (germline): Uncertain significance (1 of 4 stars; one submission).

Conditions:
Bethlem myopathy 1A. Also called: Bethlem myopathy 1; MYOPATHY, BENIGN CONGENITAL, WITH CONTRACTURES; Bethlem Muscular Dystrophy. Identifiers: Orphanet 610, MedGen CN029274, MONDO:0024530, OMIM 158810.

gnomAD v4.1: 2 of 1,612,756 alleles (0.00012%); highest among the groups gnomAD compares: Non-Finnish European, 0.00017%; no homozygotes.

Submission:

Labcorp Genetics (formerly Invitae), Labcorp
Classification: Uncertain significance for Bethlem myopathy 1A. Last evaluated: 2024-05-14. Review status: criteria provided, single submitter. Criteria: Invitae Variant Classification Sherloc (09022015). Collection method: clinical testing. Allele origin: germline.
Comment: This sequence change replaces glycine, which is neutral and non-polar, with arginine, which is basic and polar, at codon 579 of the COL6A2 protein (p.Gly579Arg). This variant is present in population databases (no rsID available, gnomAD 0.0009%). This variant has not been reported in the literature in individuals affected with COL6A2-related conditions. An algorithm developed to predict the effect of missense changes on protein structure and function (PolyPhen-2) suggests that this variant is likely to be disruptive. This variant disrupts the triple helix domain of COL6A2. Glycine residues within the Gly-Xaa-Yaa repeats of the triple helix domain are required for the structure and stability of fibrillar collagens (PMID: 7695699, 8218237, 19344236). In COL6A2, missense variants at these glycine residues are significantly enriched in individuals with autosomal dominant disease (PMID: 15689448, 24038877) compared to the general population (ExAC). In summary, the available evidence is currently insufficient to determine the role of this variant in disease. Therefore, it has been classified as a Variant of Uncertain Significance.

Literature cited by the submitters: PubMed 7695699; PubMed 8218237; PubMed 19344236; PubMed 15689448; PubMed 24038877.